The following is an entry in ClinVar:

ClinVar aggregate classification (germline): Uncertain significance (1 of 4 stars; one submission).

Submission:

Labcorp Genetics (formerly Invitae), Labcorp
Classification: Uncertain significance. Last evaluated: 2025-08-01. Review status: criteria provided, single submitter. Criteria: Invitae Variant Classification Sherloc (09022015). Collection method: clinical testing. Allele origin: germline.
Comment: This sequence change creates a premature translational stop signal (p.Arg235Profs*9) in the FOXI3 gene. While this is not anticipated to result in nonsense mediated decay, it is expected to disrupt the last 186 amino acid(s) of the FOXI3 protein. This variant is not present in population databases (gnomAD no frequency). This variant has not been reported in the literature in individuals affected with FOXI3-related conditions. Experimental studies and prediction algorithms are not available or were not evaluated, and the functional significance of this variant is currently unknown. In summary, the available evidence is currently insufficient to determine the role of this variant in disease. Therefore, it has been classified as a Variant of Uncertain Significance.

NM_001135649.3(FOXI3):c.703dup (p.Arg235fs)

Gene: FOXI3 (forkhead box I3; minus strand). Cytogenetic location: 2p11.2.
Variant type: Duplication.
Coding change: c.703dup on transcript NM_001135649.3 (MANE Select); coding-DNA position 703, one base duplicated (C; older notation c.703dupC).
Protein change: p.Arg235fs; shifts the reading frame from arginine 235.
Molecular consequence: frameshift variant.
Genome position (GRCh38, 1-based): chr2:88,448,767, G duplicated on the plus strand (C on the coding strand, the reverse complement: FOXI3 is on the minus strand); the first of 2 consecutive G bases (chr2:88,448,767-88,448,768); duplicating either gives the same sequence. VCF-style (leftmost placement, unchanged base first): chr2-88448766-C-CG. GRCh37 (hg19) VCF-style: chr2-88748285-C-CG.
Other names: short protein forms R235fs.
Identifiers: ClinVar variation 4724595 (VCV004724595.1).
Genomic context (GRCh38, chr2:88,448,766, plus strand): 5'-GATGTCCCAGCAGCCACTGTGGAGCCATTGCTGGCCTCAGAGCGGCGCTTTCGCTTCCGA[C>CG]GGAAGTTCCCATTGTCAAACATTTTCTCGCAGTTCGGATCAAGAGTCCAATAATTACCCT-3'